The following is an entry in ClinVar:

NM_006514.4(SCN10A):c.4143+6T>A

Gene: SCN10A (sodium voltage-gated channel alpha subunit 10; minus strand). Cytogenetic location: 3p22.2.
Variant type: single nucleotide variant.
Coding change: c.4143+6T>A on transcript NM_006514.4 (MANE Select); 6 bases into the intron after coding-DNA position 4143, T replaced by A.
Molecular consequence: intron variant.
Genome position (GRCh38, 1-based): chr3:38,710,838, A>T on the plus strand (T>A on the coding strand, the complement: SCN10A is on the minus strand). VCF-style: chr3-38710838-A-T. GRCh37 (hg19) VCF-style: chr3-38752329-A-T.
Other names: c.3849+6T>A (NM_001293307.2); c.4140+6T>A (NM_001293306.2).
Identifiers: ClinVar variation 3701125 (VCV003701125.2).

ClinVar aggregate classification (germline): Uncertain significance (1 of 4 stars; one submission).

Conditions:
Brugada syndrome. Also called: Sudden unexpected nocturnal death syndrome; Sudden Unexplained Death Syndrome; Sudden Unexplained Nocturnal Death Syndrome (SUNDS); Sudden unexplained nocturnal death syndrome. Identifiers: Orphanet 130, MedGen C1142166, MONDO:0015263.

gnomAD v4.1: 2 of 1,612,916 alleles (0.00012%); highest among the groups gnomAD compares: Non-Finnish European, 0.000085%; no homozygotes.

Submission:

Labcorp Genetics (formerly Invitae), Labcorp
Classification: Uncertain significance for Brugada syndrome. Last evaluated: 2024-10-21. Review status: criteria provided, single submitter. Criteria: Invitae Variant Classification Sherloc (09022015). Collection method: clinical testing. Allele origin: germline.
Comment: This sequence change falls in intron 23 of the SCN10A gene. It does not directly change the encoded amino acid sequence of the SCN10A protein. It affects a nucleotide within the consensus splice site. This variant is not present in population databases (gnomAD no frequency). This variant has not been reported in the literature in individuals affected with SCN10A-related conditions. Variants that disrupt the consensus splice site are a relatively common cause of aberrant splicing (PMID: 17576681, 9536098). Algorithms developed to predict the effect of sequence changes on RNA splicing suggest that this variant may disrupt the consensus splice site. In summary, the available evidence is currently insufficient to determine the role of this variant in disease. Therefore, it has been classified as a Variant of Uncertain Significance.

Literature cited by the submitters: PubMed 17576681; PubMed 9536098.